The following is an entry in ClinVar:

NM_001170700.3(DTHD1):c.2488C>T (p.Arg830Cys)

Gene: DTHD1 (death domain containing 1; plus strand). Cytogenetic location: 4p14.
Variant type: single nucleotide variant.
Coding change: c.2488C>T on transcript NM_001170700.3 (MANE Select); coding-DNA position 2488, C replaced by T.
Protein change: p.Arg830Cys; replaces arginine 830 with cysteine.
Molecular consequence: missense variant. On other transcripts: synonymous variant (1), non-coding transcript variant (2).
Genome position (GRCh38, 1-based): chr4:36,343,591, C>T. VCF-style: chr4-36343591-C-T. GRCh37 (hg19) VCF-style: chr4-36345213-C-T.
Other names: c.2113C>T (NM_001170700.1); c.1618C>T, p.Arg540Cys (NM_001136536.5); c.1497C>T, p.Ala499= (NM_001378435.1); short protein forms R830C, R540C.
Identifiers: ClinVar variation 939247 (VCV000939247.13), dbSNP rs376760844, ClinGen allele CA2885746.

ClinVar aggregate classification (germline): Uncertain significance. Review status: criteria provided, multiple submitters, no conflicts (2 of 4 stars). 3 submissions from 3 submitters: Uncertain significance (3). Last evaluated 2025-11-23.

Allele frequency attached by ClinVar (database versions not stated): 1000 Genomes Project 30x 0.00016; TOPMed 0.00033; ESP Exome Variant Server 0.00066.
gnomAD v4.1: 412 of 1,551,736 alleles (0.027%); highest among the groups gnomAD compares: Non-Finnish European, 0.033%; no homozygotes.

Submissions (3):

Labcorp Genetics (formerly Invitae), Labcorp
Classification: Uncertain significance. Last evaluated: 2025-11-23. Review status: criteria provided, single submitter. Criteria: Invitae Variant Classification Sherloc (09022015). Collection method: clinical testing. Allele origin: germline.
Comment: This sequence change replaces arginine, which is basic and polar, with cysteine, which is neutral and slightly polar, at codon 540 of the DTHD1 protein (p.Arg540Cys). This variant is present in population databases (rs376760844, gnomAD 0.04%). This variant has not been reported in the literature in individuals affected with DTHD1-related conditions. ClinVar contains an entry for this variant (Variation ID: 939247). An algorithm developed to predict the effect of missense changes on protein structure and function outputs the following: PolyPhen-2: "Benign". The cysteine amino acid residue is found in multiple mammalian species, which suggests that this missense change does not adversely affect protein function. In summary, the available evidence is currently insufficient to determine the role of this variant in disease. Therefore, it has been classified as a Variant of Uncertain Significance.

Blueprint Genetics
Classification: Uncertain significance. Last evaluated: 2024-11-05. Review status: criteria provided, single submitter. Criteria: ACMG Guidelines, 2015. Collection method: clinical testing. Allele origin: germline.

Ambry Genetics
Classification: Uncertain significance. Last evaluated: 2024-07-21. Review status: criteria provided, single submitter. Criteria: Ambry Variant Classification Scheme 2023. Collection method: clinical testing. Allele origin: germline.